The following is an entry in ClinVar:

NM_002519.3(NPAT):c.2396T>C (p.Val799Ala)

Gene: NPAT (nuclear protein, coactivator of histone transcription; minus strand). Cytogenetic location: 11q22.3.
Variant type: single nucleotide variant.
Coding change: c.2396T>C on transcript NM_002519.3 (MANE Select); coding-DNA position 2396, T replaced by C.
Protein change: p.Val799Ala; replaces valine 799 with alanine.
Molecular consequence: missense variant.
Genome position (GRCh38, 1-based): chr11:108,172,588, A>G on the plus strand (T>C on the coding strand, the complement: NPAT is on the minus strand). VCF-style: chr11-108172588-A-G. GRCh37 (hg19) VCF-style: chr11-108043315-A-G.
Other names: c.2396T>C, p.Val799Ala (NM_001321307.1); short protein forms V799A.
Identifiers: ClinVar variation 3407248 (VCV003407248.1).

ClinVar aggregate classification (germline): Uncertain significance (1 of 4 stars; one submission).

Submission:

Ambry Genetics
Classification: Uncertain significance. Last evaluated: 2024-10-19. Review status: criteria provided, single submitter. Criteria: Ambry Variant Classification Scheme 2023. Collection method: clinical testing. Allele origin: germline.
Comment: The p.V799A variant (also known as c.2396T>C), located in coding exon 13 of the NPAT gene, results from a T to C substitution at nucleotide position 2396. The valine at codon 799 is replaced by alanine, an amino acid with similar properties. This amino acid position is conserved. In addition, this alteration is predicted to be tolerated by in silico analysis. Based on the available evidence, the clinical significance of this variant remains unclear.